The following is an entry in ClinVar:

NM_004820.5(CYP7B1):c.1081C>T (p.Arg361Ter)

Gene: CYP7B1 (cytochrome P450 family 7 subfamily B member 1; minus strand). Cytogenetic location: 8q12.3.
Variant type: single nucleotide variant.
Coding change: c.1081C>T on transcript NM_004820.5 (MANE Select); coding-DNA position 1081, C replaced by T.
Protein change: p.Arg361Ter; replaces arginine 361 with a stop codon.
Molecular consequence: nonsense.
Genome position (GRCh38, 1-based): chr8:64,604,834, G>A on the plus strand (C>T on the coding strand, the complement: CYP7B1 is on the minus strand). VCF-style: chr8-64604834-G-A. GRCh37 (hg19) VCF-style: chr8-65517391-G-A.
Other names: c.1081C>T, p.Arg361Ter (NM_001324112.2); short protein forms R361*.
Identifiers: ClinVar variation 1335945 (VCV001335945.11), dbSNP rs773976307, ClinGen allele CA4764052.
Genomic context (GRCh38, chr8:64,604,834, plus strand): 5'-CTGAACTGAGAGTCAAATCCTCCTCAACAAAACGAATGGTGGTTGAATATGAGGACAGTC[G>A]TAAAGCTTCAAAAATGCTGCTTTCTGAAGGAAAAAAACAAACGATAGCTTATTAAGATAG-3'

ClinVar aggregate classification (germline): Pathogenic/Likely pathogenic. Review status: criteria provided, multiple submitters, no conflicts (2 of 4 stars). 4 submissions from 4 submitters: Pathogenic (3); Likely pathogenic (1). Last evaluated 2023-10-22.

Conditions:
CYP7B1-related disorder. Also called: CYP7B1-related condition.
Spastic paraplegia. Identifiers: MedGen C0037772, HP:0001258.
Congenital bile acid synthesis defect 3. Identifiers: Orphanet 79302, MedGen C3151147, MONDO:0013439, OMIM 613812.

Allele frequency attached by ClinVar (database versions not stated): gnomAD 0.00001; TOPMed 0.00002; 1000 Genomes Project 30x 0.00016.
gnomAD v4.1: 20 of 1,613,976 alleles (0.0012%); highest among the groups gnomAD compares: African/African-American, 0.0053%; no homozygotes.

Submissions (4):

Labcorp Genetics (formerly Invitae), Labcorp
Classification: Pathogenic for Spastic paraplegia. Last evaluated: 2023-10-22. Review status: criteria provided, single submitter. Criteria: Invitae Variant Classification Sherloc (09022015). Collection method: clinical testing. Allele origin: germline.
Comment: This sequence change creates a premature translational stop signal (p.Arg361*) in the CYP7B1 gene. It is expected to result in an absent or disrupted protein product. Loss-of-function variants in CYP7B1 are known to be pathogenic (PMID: 9802883, 19363635, 19439420, 21541746, 21567895, 28039895). This variant is present in population databases (rs773976307, gnomAD 0.007%). This premature translational stop signal has been observed in individual(s) with spastic paraplegia type 5 (PMID: 29126212). ClinVar contains an entry for this variant (Variation ID: 1335945). For these reasons, this variant has been classified as Pathogenic.

Genetics and Genomic Medicine Centre, NeuroGen Healthcare, NeuroGen Healthcare
Classification: Pathogenic for Congenital bile acid synthesis defect 3. Last evaluated: 2022-03-27. Review status: criteria provided, single submitter. Criteria: Submitter's publication. Collection method: clinical testing. Allele origin: unknown. Affected: no.

Blueprint Genetics
Classification: Likely pathogenic for CYP7B1-related disorders. Last evaluated: 2021-07-08. Review status: criteria provided, single submitter. Criteria: ACMG Guidelines, 2015. Collection method: clinical testing. Allele origin: germline. Affected: yes. Observed: 1 variant allele.

Genetic Services Laboratory, University of Chicago
Classification: Pathogenic. Last evaluated: 2019-12-18. Review status: criteria provided, single submitter. Criteria: ACMG Guidelines, 2015. Collection method: clinical testing. Allele origin: germline. Affected: yes.

Literature cited by the submitters: PubMed 9802883 (cited by Labcorp Genetics (formerly Invitae), Labcorp); PubMed 19363635 (cited by Labcorp Genetics (formerly Invitae), Labcorp); PubMed 19439420 (cited by Labcorp Genetics (formerly Invitae), Labcorp); PubMed 21541746 (cited by Labcorp Genetics (formerly Invitae), Labcorp); PubMed 21567895 (cited by Labcorp Genetics (formerly Invitae), Labcorp); PubMed 28039895 (cited by Labcorp Genetics (formerly Invitae), Labcorp); PubMed 29126212 (cited by Labcorp Genetics (formerly Invitae), Labcorp).